The following is an entry in ClinVar:

ClinVar aggregate classification (germline): Uncertain significance. Review status: criteria provided, multiple submitters, no conflicts (2 of 4 stars). 3 submissions from 3 submitters: Uncertain significance (2). 1 of the submissions does not count toward it. Last evaluated 2025-02-13.

Conditions:
Inborn genetic diseases. Identifiers: MedGen C0950123, MeSH D030342.
Hereditary spastic paraplegia 49 (HSAN9). Also called: TECPR2-Related Hereditary Sensory and Autonomic Neuropathy with Intellectual Disability; Spastic paraplegia 49, autosomal recessive; NEUROPATHY, HEREDITARY SENSORY AND AUTONOMIC, TYPE IX, WITH DEVELOPMENTAL DELAY. Identifiers: Orphanet 320385, MedGen C5190860, MONDO:0014016, OMIM 615031.

Allele frequency attached by ClinVar (database versions not stated): gnomAD exomes 0.00001 and 0.00005; TOPMed 0.00002; gnomAD 0.00004; ExAC 0.00013.
gnomAD v4.1: 21 of 1,609,816 alleles (0.0013%); highest among the groups gnomAD compares: East Asian, 0.022%; no homozygotes.

Submissions (3):

Ambry Genetics
Classification: Uncertain significance for Inborn genetic diseases. Last evaluated: 2025-02-13. Review status: criteria provided, single submitter. Criteria: Ambry Variant Classification Scheme 2023. Collection method: clinical testing. Allele origin: germline.

Labcorp Genetics (formerly Invitae), Labcorp
Classification: Uncertain significance for Hereditary spastic paraplegia 49. Last evaluated: 2021-08-28. Review status: criteria provided, single submitter. Criteria: Invitae Variant Classification Sherloc (09022015). Collection method: clinical testing. Allele origin: germline.
Comment: This sequence change replaces threonine with alanine at codon 1194 of the TECPR2 protein (p.Thr1194Ala). The threonine residue is highly conserved and there is a small physicochemical difference between threonine and alanine. This variant is present in population databases (rs746763770, ExAC 0.2%). This variant has not been reported in the literature in individuals affected with TECPR2-related conditions. Algorithms developed to predict the effect of missense changes on protein structure and function are either unavailable or do not agree on the potential impact of this missense change (SIFT: "Deleterious"; PolyPhen-2: "Benign"; Align-GVGD: "Class C0"). In summary, the available evidence is currently insufficient to determine the role of this variant in disease. Therefore, it has been classified as a Variant of Uncertain Significance.

Natera, Inc.
Classification: Uncertain significance for Autosomal recessive spastic paraplegia type 49. Last evaluated: 2019-11-11. Review status: no assertion criteria provided. Collection method: clinical testing. Allele origin: germline. Not counted in ClinVar's aggregate classification.

NM_014844.5(TECPR2):c.3580A>G (p.Thr1194Ala)

Gene: TECPR2 (tectonin beta-propeller repeat containing 2; plus strand). Cytogenetic location: 14q32.31.
Variant type: single nucleotide variant.
Coding change: c.3580A>G on transcript NM_014844.5 (MANE Select); coding-DNA position 3580, A replaced by G.
Protein change: p.Thr1194Ala; replaces threonine 1194 with alanine.
Molecular consequence: missense variant.
Genome position (GRCh38, 1-based): chr14:102,452,567, A>G. VCF-style: chr14-102452567-A-G. GRCh37 (hg19) VCF-style: chr14-102918904-A-G.
Other names: c.3580A>G, p.Thr1194Ala (NM_001172631.3); short protein forms T1194A.
Identifiers: ClinVar variation 579154 (VCV000579154.9), dbSNP rs746763770, ClinGen allele CA7358280.